The following is an entry in ClinVar:

ClinVar aggregate classification (germline): Conflicting classifications of pathogenicity. Review status: criteria provided, conflicting classifications (1 of 4 stars). 5 submissions from 3 submitters: Likely pathogenic (1); Uncertain significance (2). 2 of the submissions do not count toward it.

Conditions:
Transitory neonatal diabetes mellitus. Also called: Transient neonatal diabetes mellitus. Identifiers: MedGen C0342273, MONDO:0020525, HP:0008255.
Maturity-onset diabetes of the young (MODY). Also called: Maturity onset diabetes mellitus in young. Identifiers: Orphanet 552, MedGen C0342276, MONDO:0018911, HP:0004904.
Diabetes mellitus, transient neonatal, 3 (TNDM3). Identifiers: Orphanet 99886, MedGen C1864623, MONDO:0012522, OMIM 610582. Disease mechanism: loss of function.
Type 2 diabetes mellitus. Also called: Type II diabetes mellitus. Identifiers: MedGen C0011860, MeSH D003924, MONDO:0005148, OMIM 125853, HP:0005978.

Submissions (5):

Clinical Genomics, Uppaluri K&H Personalized Medicine Clinic
Classification: Uncertain significance for Maturity-onset diabetes of the young. Review status: criteria provided, single submitter. Criteria: K&H Uppaluri Personalized Medicine Clinic Variant Classification & Assertion Criteria. Collection method: research. Allele origin: somatic. Inheritance: Autosomal dominant inheritance.
Comment: Mutations in KCNJ11 gene can cause decreased production and secretion of insulin. This can lead to MODY which may be responsive to oral sulfonylureas. It is also associated with Neonatal Diabetes. However, no sufficient evidence is found to ascertain the role of rs35513985 variant in MODY yet.

Clinical Genomics, Uppaluri K&H Personalized Medicine Clinic
Classification: Likely pathogenic for Transitory neonatal diabetes mellitus. Review status: criteria provided, single submitter. Criteria: K & H Uppaluri Personalized Medicine Clinic Variant Classification & Assertion Criteria_Updated V.1. Collection method: research. Allele origin: somatic. Inheritance: Autosomal dominant inheritance. Affected: yes.
Comment: Mutations in KCNJ11 gene can cause decreased production and secretion of insulin. This can lead to MODY which may be responsive to oral sulfonylureas. However, this particular variant (rs80356613) is associated with Neonatal diabetes mellitus.

Clinical Genomics, Uppaluri K&H Personalized Medicine Clinic
Classification: Uncertain significance for Type 2 diabetes mellitus. Review status: criteria provided, single submitter. Criteria: K & H Uppaluri Personalized Medicine Clinic Variant Classification & Assertion Criteria_Updated V.1. Collection method: research. Allele origin: somatic. Inheritance: Autosomal dominant inheritance.
Comment: Mutations in KCNJ11 gene can cause decreased production and secretion of insulin. This can lead to MODY which may be responsive to oral sulfonylureas. However, this particular variant (rs80356613) is associated with Neonatal diabetes mellitus and its role in MODY remains uncertain.

OMIM
Classification: Pathogenic for DIABETES MELLITUS, TRANSIENT NEONATAL, 3. Last evaluated: 2005-04-01. Review status: no assertion criteria provided. Collection method: literature only. Allele origin: germline. Not counted in ClinVar's aggregate classification.

GeneReviews
No classification provided. Condition: Diabetes mellitus, transient neonatal, 3. Review status: no classification provided. Collection method: literature only. Allele origin: unknown. Not counted in ClinVar's aggregate classification.

Literature cited by the submitters: PubMed 26448950 (cited by Clinical Genomics, Uppaluri K&H Personalized Medicine Clinic); PubMed 15580558 (cited by Clinical Genomics, Uppaluri K&H Personalized Medicine Clinic); PubMed 15718250 (cited by 3 submitters); PubMed 32935446 (cited by Clinical Genomics, Uppaluri K&H Personalized Medicine Clinic); PubMed 22701567 (cited by Clinical Genomics, Uppaluri K&H Personalized Medicine Clinic); PubMed 34566892 (cited by Clinical Genomics, Uppaluri K&H Personalized Medicine Clinic); PubMed 20301620 (cited by GeneReviews); NCBI Bookshelf NBK1447 (cited by GeneReviews).

NM_000525.4(KCNJ11):c.157G>A (p.Gly53Ser)

Gene: KCNJ11 (potassium inwardly rectifying channel subfamily J member 11; minus strand). Cytogenetic location: 11p15.1.
Variant type: single nucleotide variant.
Coding change: c.157G>A on transcript NM_000525.4 (MANE Select); coding-DNA position 157, G replaced by A.
Protein change: p.Gly53Ser; replaces glycine 53 with serine.
Molecular consequence: missense variant. On other transcripts: intron variant (3).
Genome position (GRCh38, 1-based): chr11:17,387,935, C>T on the plus strand (G>A on the coding strand, the complement: KCNJ11 is on the minus strand). VCF-style: chr11-17387935-C-T. GRCh37 (hg19) VCF-style: chr11-17409482-C-T.
Other names: c.-16-89G>A (NM_001166290.2, NM_001377297.1); c.-17+83G>A (NM_001377296.1); short protein forms G53S.
Identifiers: ClinVar variation 8681 (VCV000008681.5), dbSNP rs80356613, ClinGen allele CA340809.
Genomic context (GRCh38, chr11:17,387,935, plus strand): 5'-GCAATGTGTGTGGCCACTTGAGGTCCACCAGCGTGGTGAACACGTCCTGCAGGAAGCGGC[C>T]CTGCTCCCGGATGTTCTTGTGGGCCACGTTGCAGTTGCCTTTCTTGGACACAAAGCGGGC-3'
Protein context (NP_000516.3, residues 43-63): NVAHKNIREQ[Gly53Ser]RFLQDVFTTL